The following is an entry in ClinVar:

NM_005045.4(RELN):c.8508C>T (p.Phe2836=)

Genes: RELN (reelin; minus strand), SLC26A5-AS1 (SLC26A5 antisense RNA 1; plus strand). Cytogenetic location: 7q22.1.
Variant type: single nucleotide variant.
Coding change: c.8508C>T on transcript NM_005045.4 (MANE Select); coding-DNA position 8508, C replaced by T.
Protein change: p.Phe2836=; no amino-acid change (phenylalanine 2836 retained).
Molecular consequence: synonymous variant.
Genome position (GRCh38, 1-based): chr7:103,500,904, G>A on the plus strand (C>T on the coding strand, the complement: RELN is on the minus strand). VCF-style: chr7-103500904-G-A. GRCh37 (hg19) VCF-style: chr7-103141351-G-A.
Other names: p.F2836F:TTC>TTT; p.Phe2836=; c.8508C>T, p.Phe2836= (NM_173054.3).
Identifiers: ClinVar variation 95233 (VCV000095233.30), dbSNP rs2229862, ClinGen allele CA148356.

ClinVar aggregate classification (germline): Benign/Likely benign. Review status: criteria provided, multiple submitters, no conflicts (2 of 4 stars). 12 submissions from 12 submitters: Benign (6); Likely benign (3). 3 of the submissions do not count toward it. Last evaluated 2026-02-03.

Conditions:
Norman-Roberts syndrome (LIS2). Also called: Lissencephaly 2 (Norman-Roberts type). Identifiers: Orphanet 89844, MedGen C0796089, MONDO:0009760, OMIM 257320.
Familial temporal lobe epilepsy 7. Identifiers: Orphanet 101046, MedGen C4225327, MONDO:0014639, OMIM 616436.

Allele frequency attached by ClinVar (database versions not stated): 1000 Genomes Project 0.02157; 1000 Genomes Project 30x 0.02249; TOPMed 0.03503; ExAC 0.03534; gnomAD exomes 0.03607 and 0.04792; gnomAD 0.03697 and 0.03751; ESP Exome Variant Server 0.04006.
gnomAD v4.1: 75,294 of 1,613,868 alleles (4.7%); highest among the groups gnomAD compares: Non-Finnish European, 5.4%; 1,932 homozygotes.

Submissions (12):

Labcorp Genetics (formerly Invitae), Labcorp
Classification: Benign for Familial temporal lobe epilepsy 7; Norman-Roberts syndrome. Last evaluated: 2026-02-03. Review status: criteria provided, single submitter. Criteria: Invitae Variant Classification Sherloc (09022015). Collection method: clinical testing. Allele origin: germline.

Blueprint Genetics
Classification: Likely benign. Last evaluated: 2024-11-27. Review status: criteria provided, single submitter. Criteria: ACMG Guidelines, 2015. Collection method: clinical testing. Allele origin: germline.

Mayo Clinic Laboratories, Mayo Clinic
Classification: Benign. Last evaluated: 2018-12-05. Review status: criteria provided, single submitter. Criteria: ACMG Guidelines, 2015. Collection method: clinical testing. Allele origin: germline. Observed: 35 variant alleles.

Athena Diagnostics
Classification: Benign. Last evaluated: 2018-05-07. Review status: criteria provided, single submitter. Criteria: Athena Diagnostics Criteria. Collection method: clinical testing. Allele origin: germline.

Illumina Laboratory Services, Illumina
Classification: Benign for Norman-Roberts syndrome. Last evaluated: 2018-01-13. Review status: criteria provided, single submitter. Criteria: ICSL Variant Classification Criteria 13 December 2019. Collection method: clinical testing. Allele origin: germline.
Comment: This variant was observed in the ICSL laboratory as part of a predisposition screen in an ostensibly healthy population. It had not been previously curated by ICSL or reported in the Human Gene Mutation Database (HGMD: prior to June 1st, 2018), and was therefore a candidate for classification through an automated scoring system. Utilizing variant allele frequency, disease prevalence and penetrance estimates, and inheritance mode, an automated score was calculated to assess if this variant is too frequent to cause the disease. Based on the score and internal cut-off values, a variant classified as benign is not then subjected to further curation. The score for this variant resulted in a classification of benign for this disease.

GeneDx
Classification: Benign. Last evaluated: 2014-03-19. Review status: criteria provided, single submitter. Criteria: GeneDx Variant Classification (06012015). Collection method: clinical testing. Allele origin: germline. Affected: yes.
Comment: This variant is considered likely benign or benign based on one or more of the following criteria: it is a conservative change, it occurs at a poorly conserved position in the protein, it is predicted to be benign by multiple in silico algorithms, and/or has population frequency not consistent with disease.

Eurofins Ntd Llc (ga)
Classification: Benign. Last evaluated: 2012-07-03. Review status: criteria provided, single submitter. Criteria: EGL Classification Definitions 2015. Collection method: clinical testing. Allele origin: germline. Observed: 1 variant allele, 1 heterozygote.

Breakthrough Genomics
Classification: Likely benign. Review status: criteria provided, single submitter. Criteria: ACMG Guidelines, 2015. Collection method: not provided. Allele origin: germline. Inheritance: Autosomal recessive inheritance. Affected: yes.

PreventionGenetics, part of Exact Sciences
Classification: Likely benign. Review status: criteria provided, single submitter. Criteria: ACMG Guidelines, 2015. Collection method: clinical testing. Allele origin: germline.

Clinical Genetics DNA and cytogenetics Diagnostics Lab, Erasmus MC, Erasmus Medical Center
Classification: Benign. Review status: no assertion criteria provided. Collection method: clinical testing. Allele origin: germline. Affected: yes. Study: VKGL Data-share Consensus. Not counted in ClinVar's aggregate classification.

Clinical Genetics, Academic Medical Center
Classification: Benign. Review status: no assertion criteria provided. Collection method: clinical testing. Allele origin: germline. Affected: yes. Study: VKGL Data-share Consensus. Not counted in ClinVar's aggregate classification.

Genetic Services Laboratory, University of Chicago
Classification: Likely benign for AllHighlyPenetrant. Review status: no assertion criteria provided. Collection method: clinical testing. Allele origin: germline. Inheritance: Autosomal recessive inheritance. Not counted in ClinVar's aggregate classification.
Comment: Likely benign based on allele frequency in 1000 Genomes Project or ESP global frequency and its presence in a patient with a rare or unrelated disease phenotype. NOT Sanger confirmed.